The following is an entry in ClinVar:

ClinVar aggregate classification (germline): Uncertain significance (1 of 4 stars; one submission).

Allele frequency attached by ClinVar (database versions not stated): gnomAD 0.00001; TOPMed 0.00001; ExAC 0.00002.
gnomAD v4.1: 18 of 1,611,686 alleles (0.0011%); highest among the groups gnomAD compares: Non-Finnish European, 0.0015%; no homozygotes.

Submission:

Labcorp Genetics (formerly Invitae), Labcorp
Classification: Uncertain significance. Last evaluated: 2024-04-17. Review status: criteria provided, single submitter. Criteria: Invitae Variant Classification Sherloc (09022015). Collection method: clinical testing. Allele origin: germline.
Comment: This sequence change replaces threonine, which is neutral and polar, with serine, which is neutral and polar, at codon 701 of the KIAA0753 protein (p.Thr701Ser). This variant is present in population databases (rs751382240, gnomAD 0.002%). This variant has not been reported in the literature in individuals affected with KIAA0753-related conditions. ClinVar contains an entry for this variant (Variation ID: 1959109). Algorithms developed to predict the effect of missense changes on protein structure and function output the following: SIFT: "Not Available"; PolyPhen-2: "Benign"; Align-GVGD: "Not Available". The serine amino acid residue is found in multiple mammalian species, which suggests that this missense change does not adversely affect protein function. In summary, the available evidence is currently insufficient to determine the role of this variant in disease. Therefore, it has been classified as a Variant of Uncertain Significance.

NM_014804.3(KIAA0753):c.2102C>G (p.Thr701Ser)

Gene: KIAA0753 (KIAA0753; minus strand). Cytogenetic location: 17p13.1.
Variant type: single nucleotide variant.
Coding change: c.2102C>G on transcript NM_014804.3 (MANE Select); coding-DNA position 2102, C replaced by G.
Protein change: p.Thr701Ser; replaces threonine 701 with serine.
Molecular consequence: missense variant. On other transcripts: non-coding transcript variant (3).
Genome position (GRCh38, 1-based): chr17:6,599,307, G>C on the plus strand (C>G on the coding strand, the complement: KIAA0753 is on the minus strand). VCF-style: chr17-6599307-G-C. GRCh37 (hg19) VCF-style: chr17-6502627-G-C.
Other names: c.1205C>G, p.Thr402Ser (NM_001351225.2); short protein forms T701S, T402S.
Identifiers: ClinVar variation 1959109 (VCV001959109.5), dbSNP rs751382240, ClinGen allele CA8330261.